The following is an entry in ClinVar:

NM_005591.4(MRE11):c.1758G>A (p.Ser586=)

Gene: MRE11 (MRE11 double strand break repair nuclease; minus strand). Cytogenetic location: 11q21.
Variant type: single nucleotide variant.
Coding change: c.1758G>A on transcript NM_005591.4 (MANE Select); coding-DNA position 1758, G replaced by A.
Protein change: p.Ser586=; no amino-acid change (serine 586 retained).
Molecular consequence: synonymous variant.
Genome position (GRCh38, 1-based): chr11:94,447,244, C>T on the plus strand (G>A on the coding strand, the complement: MRE11 is on the minus strand). VCF-style: chr11-94447244-C-T. GRCh37 (hg19) VCF-style: chr11-94180410-C-T.
Other names: c.1758G>A, p.Ser586= (NM_001330347.2, NM_005590.4).
Identifiers: ClinVar variation 186844 (VCV000186844.20), dbSNP rs766372720, ClinGen allele CA196027.

ClinVar aggregate classification (germline): Conflicting classifications of pathogenicity. Review status: criteria provided, conflicting classifications (1 of 4 stars). 4 submissions from 4 submitters: Uncertain significance (1); Likely benign (3). Last evaluated 2025-11-17.

Conditions:
Ataxia-telangiectasia-like disorder (ATLD). Identifiers: MedGen C1858391, MONDO:0011457.
Hereditary cancer-predisposing syndrome. Also called: Neoplastic Syndromes, Hereditary; Tumor predisposition; Hereditary Cancer Syndrome; Hereditary neoplastic syndrome. Identifiers: Orphanet 140162, MedGen C0027672, MeSH D009386, MONDO:0015356.
Ataxia-telangiectasia-like disorder 1 (ATLD1). Identifiers: Orphanet 251347, MedGen C4012790, MONDO:0024557, OMIM 604391.

Allele frequency attached by ClinVar (database versions not stated): gnomAD 0.00002 and 0.00003; gnomAD exomes 0.00002 and 0.00006; TOPMed 0.00002; ExAC 0.00007.
gnomAD v4.1: 41 of 1,613,466 alleles (0.0025%); highest among the groups gnomAD compares: East Asian, 0.036%; no homozygotes.

Submissions (4):

Women's Health and Genetics/Laboratory Corporation of America, LabCorp
Classification: Likely benign. Last evaluated: 2025-11-17. Review status: criteria provided, single submitter. Criteria: LabCorp Variant Classification Summary - May 2015. Collection method: clinical testing. Allele origin: germline.
Comment: Variant summary: MRE11 c.1758G>A alters a non-conserved nucleotide resulting in a synonymous change. Consensus agreement among computation tools predict no significant impact on normal splicing. However, these predictions have yet to be confirmed by functional studies. The variant allele was found at a frequency of 5.7e-05 in 282530 control chromosomes. This frequency is not significantly higher than estimated for disease-causing variants in MRE11, allowing no conclusion about variant significance. To our knowledge, no occurrence of c.1758G>A in individuals affected with MRE11-related conditions and no experimental evidence demonstrating its impact on protein function have been reported. ClinVar contains an entry for this variant (Variation ID: 186844). Based on the evidence outlined above, the variant was classified as likely benign.

Labcorp Genetics (formerly Invitae), Labcorp
Classification: Likely benign for Ataxia-telangiectasia-like disorder. Last evaluated: 2025-03-17. Review status: criteria provided, single submitter. Criteria: Invitae Variant Classification Sherloc (09022015). Collection method: clinical testing. Allele origin: germline.

Illumina Laboratory Services, Illumina
Classification: Uncertain significance for Ataxia-telangiectasia-like disorder 1. Last evaluated: 2018-01-13. Review status: criteria provided, single submitter. Criteria: ICSL Variant Classification Criteria 13 December 2019. Collection method: clinical testing. Allele origin: germline.

Ambry Genetics
Classification: Likely benign for Hereditary cancer-predisposing syndrome. Last evaluated: 2016-06-06. Review status: criteria provided, single submitter. Criteria: Ambry Variant Classification Scheme 2023. Collection method: clinical testing. Allele origin: germline.